The following is an entry in ClinVar:

NC_000010.10:g.(?_68040208)_(68139130_?)del

Gene: CTNNA3 (catenin alpha 3; minus strand). Cytogenetic location: 10q21.3.
Variant type: Deletion.
Identifiers: ClinVar variation 3244912 (VCV003244912.1).

ClinVar aggregate classification (germline): Uncertain significance (1 of 4 stars; one submission).

Conditions:
Arrhythmogenic right ventricular dysplasia 13. Also called: ARRHYTHMOGENIC RIGHT VENTRICULAR CARDIOMYOPATHY 13; Arrhythmogenic right ventricular dysplasia, familial, 13. Identifiers: MedGen C3810138, MONDO:0000908, OMIM 615616.

Submission:

Labcorp Genetics (formerly Invitae), Labcorp
Classification: Uncertain significance for Arrhythmogenic right ventricular dysplasia 13. Last evaluated: 2023-03-07. Review status: criteria provided, single submitter. Criteria: Invitae Variant Classification Sherloc (09022015). Collection method: clinical testing. Allele origin: unknown.
Comment: In summary, the available evidence is currently insufficient to determine the role of this variant in disease. Therefore, it has been classified as a Variant of Uncertain Significance. This variant has not been reported in the literature in individuals affected with CTNNA3-related conditions. This variant is a gross deletion of the genomic region encompassing exon(s) 12-13 of the CTNNA3 gene. This deletion is out-of-frame, and is expected to create a premature translational stop signal and result in an absent or disrupted protein product. However, the current clinical and genetic evidence is not sufficient to establish whether loss-of-function variants in CTNNA3 cause disease.